The following is an entry in ClinVar:

ClinVar aggregate classification (germline): Likely benign. Review status: criteria provided, multiple submitters, no conflicts (2 of 4 stars). 2 submissions from 2 submitters: Likely benign (2). Last evaluated 2026-04-01.

Allele frequency attached by ClinVar (database versions not stated): ExAC 0.00004; ESP Exome Variant Server 0.00015; gnomAD 0.00021; TOPMed 0.00039.
gnomAD v4.1: 76 of 1,614,052 alleles (0.0047%); highest among the groups gnomAD compares: African/African-American, 0.06%; no homozygotes.

Submissions (2):

CeGaT Center for Human Genetics Tuebingen
Classification: Likely benign. Last evaluated: 2026-04-01. Review status: criteria provided, single submitter. Criteria: CeGaT Center For Human Genetics Tuebingen Variant Classification Criteria Version 2. Collection method: clinical testing. Allele origin: germline. Affected: yes. Observed: 1 variant allele.
Comment: DENND5A: BP4, BP7

Labcorp Genetics (formerly Invitae), Labcorp
Classification: Likely benign. Last evaluated: 2026-02-03. Review status: criteria provided, single submitter. Criteria: Invitae Variant Classification Sherloc (09022015). Collection method: clinical testing. Allele origin: germline.

NM_015213.4(DENND5A):c.480G>A (p.Glu160=)

Gene: DENND5A (DENN domain containing 5A; minus strand). Cytogenetic location: 11p15.4.
Variant type: single nucleotide variant.
Coding change: c.480G>A on transcript NM_015213.4 (MANE Select); coding-DNA position 480, G replaced by A.
Protein change: p.Glu160=; no amino-acid change (glutamic acid 160 retained).
Molecular consequence: synonymous variant. On other transcripts: non-coding transcript variant (1).
Genome position (GRCh38, 1-based): chr11:9,204,129, C>T on the plus strand (G>A on the coding strand, the complement: DENND5A is on the minus strand). VCF-style: chr11-9204129-C-T. GRCh37 (hg19) VCF-style: chr11-9225676-C-T.
Other names: c.480G>A, p.Glu160= (NM_001243254.2, NM_001348748.1); c.408G>A, p.Glu136= (NM_001348749.2); c.192G>A, p.Glu64= (NM_001348750.2).
Identifiers: ClinVar variation 2057206 (VCV002057206.6), dbSNP rs148784597, ClinGen allele CA5877813.